The following is an entry in ClinVar:

NM_005228.5(EGFR):c.3532C>T (p.Pro1178Ser)

Gene: EGFR (epidermal growth factor receptor; plus strand). Cytogenetic location: 7p11.2.
Variant type: single nucleotide variant.
Coding change: c.3532C>T on transcript NM_005228.5 (MANE Select); coding-DNA position 3532, C replaced by T.
Protein change: p.Pro1178Ser; replaces proline 1178 with serine.
Molecular consequence: missense variant.
Genome position (GRCh38, 1-based): chr7:55,205,516, C>T. VCF-style: chr7-55205516-C-T. GRCh37 (hg19) VCF-style: chr7-55273209-C-T.
Other names: c.3397C>T, p.Pro1133Ser (NM_001346899.2); c.3373C>T, p.Pro1125Ser (NM_001346900.2); c.2731C>T, p.Pro911Ser (NM_001346941.2); c.3532C>T (NM_005228.3); short protein forms P1125S, P1178S, P1133S, P911S.
Identifiers: ClinVar variation 1040770 (VCV001040770.7), dbSNP rs1788075239, ClinGen allele CA367584836.

ClinVar aggregate classification (germline): Uncertain significance. Review status: criteria provided, multiple submitters, no conflicts (2 of 4 stars). 2 submissions from 2 submitters: Uncertain significance (2). Last evaluated 2026-02-22.

Conditions:
Hereditary cancer-predisposing syndrome. Also called: Hereditary Cancer Syndrome; Neoplastic Syndromes, Hereditary; Tumor predisposition; Hereditary neoplastic syndrome. Identifiers: Orphanet 140162, MedGen C0027672, MeSH D009386, MONDO:0015356.
EGFR-related lung cancer (EGFR). Identifiers: MedGen CN130014.

Submissions (2):

Ambry Genetics
Classification: Uncertain significance for Hereditary cancer-predisposing syndrome. Last evaluated: 2026-02-22. Review status: criteria provided, single submitter. Criteria: Ambry Variant Classification Scheme 2023. Collection method: clinical testing. Allele origin: germline.
Comment: The p.P1178S variant (also known as c.3532C>T), located in coding exon 28 of the EGFR gene, results from a C to T substitution at nucleotide position 3532. The proline at codon 1178 is replaced by serine, an amino acid with similar properties. This amino acid position is conserved. In addition, this alteration is predicted to be tolerated by in silico analysis. Based on the available evidence, the clinical significance of this variant remains unclear.

Labcorp Genetics (formerly Invitae), Labcorp
Classification: Uncertain significance for EGFR-related lung cancer. Last evaluated: 2024-08-28. Review status: criteria provided, single submitter. Criteria: Invitae Variant Classification Sherloc (09022015). Collection method: clinical testing. Allele origin: germline.
Comment: This sequence change replaces proline, which is neutral and non-polar, with serine, which is neutral and polar, at codon 1178 of the EGFR protein (p.Pro1178Ser). This variant is not present in population databases (gnomAD no frequency). This variant has not been reported in the literature in individuals affected with EGFR-related conditions. ClinVar contains an entry for this variant (Variation ID: 1040770). An algorithm developed to predict the effect of missense changes on protein structure and function (PolyPhen-2) suggests that this variant is likely to be disruptive. In summary, the available evidence is currently insufficient to determine the role of this variant in disease. Therefore, it has been classified as a Variant of Uncertain Significance.